The following is an entry in ClinVar:

NM_000070.3(CAPN3):c.2066C>T (p.Thr689Ile)

Gene: CAPN3 (calpain 3; plus strand). Cytogenetic location: 15q15.1.
Variant type: single nucleotide variant.
Coding change: c.2066C>T on transcript NM_000070.3 (MANE Select); coding-DNA position 2066, C replaced by T.
Protein change: p.Thr689Ile; replaces threonine 689 with isoleucine.
Molecular consequence: missense variant.
Genome position (GRCh38, 1-based): chr15:42,409,946, C>T. VCF-style: chr15-42409946-C-T. GRCh37 (hg19) VCF-style: chr15-42702144-C-T.
Other names: c.2048C>T, p.Thr683Ile (NM_024344.2); c.1790C>T, p.Thr597Ile (NM_173087.2); c.530C>T, p.Thr177Ile (NM_173088.2); c.71C>T, p.Thr24Ile (NM_173089.2, NM_173090.2); short protein forms T597I, T683I, T177I, T689I, T24I.
Identifiers: ClinVar variation 1516030 (VCV001516030.3), dbSNP rs1278777392, ClinGen allele CA392001489.

ClinVar aggregate classification (germline): Uncertain significance (1 of 4 stars; one submission).

Conditions:
Autosomal recessive limb-girdle muscular dystrophy type 2A (LGMDR1). Also called: Calpainopathy; Muscular dystrophy, limb-girdle, type 2A, Amish; LEYDEN-MOEBIUS MUSCULAR DYSTROPHY; MUSCULAR DYSTROPHY, PELVOFEMORAL; Limb-girdle muscular dystrophy, type 2A. Identifiers: Orphanet 267, MedGen C1869123, MONDO:0009675, OMIM 253600. Disease mechanism: loss of function.

Allele frequency attached by ClinVar (database versions not stated): gnomAD 0.00001; TOPMed 0.00001.
gnomAD v4.1: 2 of 1,612,274 alleles (0.00012%); highest among the groups gnomAD compares: Non-Finnish European, 0.00017%; no homozygotes.

Submission:

Labcorp Genetics (formerly Invitae), Labcorp
Classification: Uncertain significance for Autosomal recessive limb-girdle muscular dystrophy type 2A. Last evaluated: 2021-11-08. Review status: criteria provided, single submitter. Criteria: Invitae Variant Classification Sherloc (09022015). Collection method: clinical testing. Allele origin: germline.
Comment: This sequence change replaces threonine, which is neutral and polar, with isoleucine, which is neutral and non-polar, at codon 689 of the CAPN3 protein (p.Thr689Ile). This variant is not present in population databases (gnomAD no frequency). This variant has not been reported in the literature in individuals affected with CAPN3-related conditions. Algorithms developed to predict the effect of missense changes on protein structure and function output the following: SIFT: "Tolerated"; PolyPhen-2: "Benign"; Align-GVGD: "Class C0". The isoleucine amino acid residue is found in multiple mammalian species, which suggests that this missense change does not adversely affect protein function. In summary, the available evidence is currently insufficient to determine the role of this variant in disease. Therefore, it has been classified as a Variant of Uncertain Significance.